The following is an entry in ClinVar:

ClinVar aggregate classification (germline): Uncertain significance. Review status: criteria provided, multiple submitters, no conflicts (2 of 4 stars). 2 submissions from 2 submitters: Uncertain significance (2). Last evaluated 2025-06-19.

Allele frequency attached by ClinVar (database versions not stated): TOPMed 0.00005; gnomAD 0.00007 and 0.00009; ESP Exome Variant Server 0.00008; gnomAD exomes 0.00009 and 0.00011; ExAC 0.00012.
gnomAD v4.1: 143 of 1,613,894 alleles (0.0089%); highest among the groups gnomAD compares: Middle Eastern, 0.049%; no homozygotes.

Submissions (2):

Ambry Genetics
Classification: Uncertain significance. Last evaluated: 2025-06-19. Review status: criteria provided, single submitter. Criteria: Ambry Variant Classification Scheme 2023. Collection method: clinical testing. Allele origin: germline.

GeneDx
Classification: Uncertain significance. Last evaluated: 2020-01-16. Review status: criteria provided, single submitter. Criteria: GeneDx Variant Classification Process June 2021. Collection method: clinical testing. Allele origin: germline. Affected: yes.
Comment: In silico analysis, which includes protein predictors and evolutionary conservation, supports that this variant does not alter protein structure/function; Has not been previously published as pathogenic or benign to our knowledge

NM_006267.5(RANBP2):c.4213C>G (p.Gln1405Glu)

Gene: RANBP2 (RAN binding protein 2; plus strand). Cytogenetic location: 2q13.
Variant type: single nucleotide variant.
Coding change: c.4213C>G on transcript NM_006267.5 (MANE Select); coding-DNA position 4213, C replaced by G.
Protein change: p.Gln1405Glu; replaces glutamine 1405 with glutamic acid.
Molecular consequence: missense variant.
Genome position (GRCh38, 1-based): chr2:108,764,752, C>G. VCF-style: chr2-108764752-C-G. GRCh37 (hg19) VCF-style: chr2-109381208-C-G.
Other names: short protein forms Q1405E.
Identifiers: ClinVar variation 1205537 (VCV001205537.7), dbSNP rs375021752, ClinGen allele CA1823065.